The following is an entry in ClinVar:

NM_005733.3(KIF20A):c.1115A>G (p.His372Arg)

Gene: KIF20A (kinesin family member 20A; plus strand). Cytogenetic location: 5q31.2.
Variant type: single nucleotide variant.
Coding change: c.1115A>G on transcript NM_005733.3 (MANE Select); coding-DNA position 1115, A replaced by G.
Protein change: p.His372Arg; replaces histidine 372 with arginine.
Molecular consequence: missense variant.
Genome position (GRCh38, 1-based): chr5:138,183,557, A>G. VCF-style: chr5-138183557-A-G. GRCh37 (hg19) VCF-style: chr5-137519246-A-G.
Other names: short protein forms H372R.
Identifiers: ClinVar variation 1957521 (VCV001957521.5), dbSNP rs747860008, ClinGen allele CA3426494.

ClinVar aggregate classification (germline): Uncertain significance (1 of 4 stars; one submission).

Allele frequency attached by ClinVar (database versions not stated): TOPMed below 0.00001; gnomAD exomes 0.00001; ExAC 0.00002.
gnomAD v4.1: 8 of 1,614,080 alleles (0.0005%); highest among the groups gnomAD compares: Admixed American, 0.012%; no homozygotes.

Submission:

Labcorp Genetics (formerly Invitae), Labcorp
Classification: Uncertain significance. Last evaluated: 2023-10-03. Review status: criteria provided, single submitter. Criteria: Invitae Variant Classification Sherloc (09022015). Collection method: clinical testing. Allele origin: germline.
Comment: This sequence change replaces histidine, which is basic and polar, with arginine, which is basic and polar, at codon 372 of the KIF20A protein (p.His372Arg). This variant is present in population databases (rs747860008, gnomAD 0.01%). This variant has not been reported in the literature in individuals affected with KIF20A-related conditions. ClinVar contains an entry for this variant (Variation ID: 1957521). An algorithm developed to predict the effect of missense changes on protein structure and function (PolyPhen-2) suggests that this variant is likely to be disruptive. In summary, the available evidence is currently insufficient to determine the role of this variant in disease. Therefore, it has been classified as a Variant of Uncertain Significance.